The following is an entry in ClinVar:

NM_024596.5(MCPH1):c.1978C>G (p.Gln660Glu)

Gene: MCPH1 (microcephalin 1; plus strand). Cytogenetic location: 8p23.1.
Variant type: single nucleotide variant.
Coding change: c.1978C>G on transcript NM_024596.5 (MANE Select); coding-DNA position 1978, C replaced by G.
Protein change: p.Gln660Glu; replaces glutamine 660 with glutamic acid.
Molecular consequence: missense variant. On other transcripts: intron variant (1).
Genome position (GRCh38, 1-based): chr8:6,480,718, C>G. VCF-style: chr8-6480718-C-G. GRCh37 (hg19) VCF-style: chr8-6338239-C-G.
Other names: c.1978C>G, p.Gln660Glu (NM_001322042.2, NM_001363979.1); c.1935+25466C>G (NM_001363980.2); short protein forms Q660E.
Identifiers: ClinVar variation 1430066 (VCV001430066.3), dbSNP rs369240170, ClinGen allele CA4610772.

ClinVar aggregate classification (germline): Uncertain significance (1 of 4 stars; one submission).

Allele frequency attached by ClinVar (database versions not stated): gnomAD exomes below 0.00001; ExAC 0.00001; gnomAD 0.00001 and 0.00002; ESP Exome Variant Server 0.00008.
gnomAD v4.1: 24 of 1,614,148 alleles (0.0015%); highest among the groups gnomAD compares: African/African-American, 0.013%; no homozygotes.

Submission:

Labcorp Genetics (formerly Invitae), Labcorp
Classification: Uncertain significance. Last evaluated: 2022-07-13. Review status: criteria provided, single submitter. Criteria: Invitae Variant Classification Sherloc (09022015). Collection method: clinical testing. Allele origin: germline.
Comment: This sequence change replaces glutamine, which is neutral and polar, with glutamic acid, which is acidic and polar, at codon 660 of the MCPH1 protein (p.Gln660Glu). This variant is present in population databases (rs369240170, gnomAD 0.008%). This variant has not been reported in the literature in individuals affected with MCPH1-related conditions. ClinVar contains an entry for this variant (Variation ID: 1430066). Algorithms developed to predict the effect of missense changes on protein structure and function are either unavailable or do not agree on the potential impact of this missense change (SIFT: "Not Available"; PolyPhen-2: "Possibly Damaging"; Align-GVGD: "Not Available"). In summary, the available evidence is currently insufficient to determine the role of this variant in disease. Therefore, it has been classified as a Variant of Uncertain Significance.